The following is an entry in ClinVar:

NM_015512.5(DNAH1):c.1517G>A (p.Arg506Gln)

Gene: DNAH1 (dynein axonemal heavy chain 1; plus strand). Cytogenetic location: 3p21.1.
Variant type: single nucleotide variant.
Coding change: c.1517G>A on transcript NM_015512.5 (MANE Select); coding-DNA position 1517, G replaced by A.
Protein change: p.Arg506Gln; replaces arginine 506 with glutamine.
Molecular consequence: missense variant.
Genome position (GRCh38, 1-based): chr3:52,345,567, G>A. VCF-style: chr3-52345567-G-A. GRCh37 (hg19) VCF-style: chr3-52379583-G-A.
Other names: short protein forms R506Q.
Identifiers: ClinVar variation 1018676 (VCV001018676.2), dbSNP rs375629993, ClinGen allele CA2432993.
Genomic context (GRCh38, chr3:52,345,567, plus strand): 5'-TCCCCAAGTACCACTTCTGGGAGCAGAAGGAGGACTTCACTTTCGTGTCCCTGCTCACAC[G>A]GCCAGAGGTCATCACGGCCCTCAGCAAGGTGAGGGCCGAGTGCAACAAGGTGACCGCCAT-3'
Protein context (NP_056327.4, residues 496-516): EDFTFVSLLT[Arg506Gln]PEVITALSKV

ClinVar aggregate classification (germline): Uncertain significance (1 of 4 stars; one submission).

Conditions:
Ciliary dyskinesia, primary, 37 (CILD37). Also called: CILIARY DYSKINESIA, PRIMARY, 37, WITH OR WITHOUT SITUS INVERSUS. Identifiers: MedGen C4539798, MONDO:0033204, OMIM 617577.
Spermatogenic failure 18. Identifiers: MedGen C4539783, MONDO:0054615, OMIM 617576.

Allele frequency attached by ClinVar (database versions not stated): gnomAD 0.00001; ExAC 0.00002; gnomAD exomes 0.00002 and 0.00003; TOPMed 0.00002.
gnomAD v4.1: 48 of 1,597,852 alleles (0.003%); highest among the groups gnomAD compares: African/African-American, 0.008%; no homozygotes.

Submission:

Labcorp Genetics (formerly Invitae), Labcorp
Classification: Uncertain significance for Ciliary dyskinesia, primary, 37; Spermatogenic failure 18. Last evaluated: 2022-08-23. Review status: criteria provided, single submitter. Criteria: Invitae Variant Classification Sherloc (09022015). Collection method: clinical testing. Allele origin: germline.
Comment: This sequence change replaces arginine, which is basic and polar, with glutamine, which is neutral and polar, at codon 506 of the DNAH1 protein (p.Arg506Gln). The frequency data for this variant in the population databases is considered unreliable, as metrics indicate poor data quality at this position in the gnomAD database. This variant has not been reported in the literature in individuals affected with DNAH1-related conditions. ClinVar contains an entry for this variant (Variation ID: 1018676). Algorithms developed to predict the effect of missense changes on protein structure and function are either unavailable or do not agree on the potential impact of this missense change (SIFT: "Deleterious"; PolyPhen-2: "Benign"; Align-GVGD: "Class C0"). Algorithms developed to predict the effect of sequence changes on RNA splicing suggest that this variant may create or strengthen a splice site. In summary, the available evidence is currently insufficient to determine the role of this variant in disease. Therefore, it has been classified as a Variant of Uncertain Significance.